The following is an entry in ClinVar:

NM_030632.3(ASXL3):c.3789C>A (p.Val1263=)

Gene: ASXL3 (ASXL transcriptional regulator 3; plus strand). Cytogenetic location: 18q12.1.
Variant type: single nucleotide variant.
Coding change: c.3789C>A on transcript NM_030632.3 (MANE Select); coding-DNA position 3789, C replaced by A.
Protein change: p.Val1263=; no amino-acid change (valine 1263 retained).
Molecular consequence: synonymous variant.
Genome position (GRCh38, 1-based): chr18:33,743,637, C>A. VCF-style: chr18-33743637-C-A. GRCh37 (hg19) VCF-style: chr18-31323601-C-A.
Identifiers: ClinVar variation 3033787 (VCV003033787.2), dbSNP rs1463597087, ClinGen allele CA503770046.

ClinVar aggregate classification (germline): Likely benign (0 of 4 stars; one submission).

Conditions:
ASXL3-related disorder. Also called: ASXL3-related condition. Identifiers: MedGen CN381524.

Allele frequency attached by ClinVar (database versions not stated): gnomAD 0.00001; TOPMed 0.00001.
gnomAD v4.1: 7 of 1,613,542 alleles (0.00043%); highest among the groups gnomAD compares: East Asian, 0.013%; no homozygotes.

Submission:

PreventionGenetics, part of Exact Sciences
Classification: Likely benign for ASXL3-related condition. Last evaluated: 2019-06-18. Review status: no assertion criteria provided. Collection method: clinical testing. Allele origin: germline.
Comment: This variant is classified as likely benign based on ACMG/AMP sequence variant interpretation guidelines (Richards et al. 2015 PMID: 25741868, with internal and published modifications).